The following is an entry in ClinVar:

NM_000093.5(COL5A1):c.61C>T (p.Pro21Ser)

Gene: COL5A1 (collagen type V alpha 1 chain; plus strand). Cytogenetic location: 9q34.3.
Variant type: single nucleotide variant.
Coding change: c.61C>T on transcript NM_000093.5 (MANE Select); coding-DNA position 61, C replaced by T.
Protein change: p.Pro21Ser; replaces proline 21 with serine.
Molecular consequence: missense variant.
Genome position (GRCh38, 1-based): chr9:134,642,248, C>T. VCF-style: chr9-134642248-C-T. GRCh37 (hg19) VCF-style: chr9-137534094-C-T.
Other names: p.P21S:CCC>TCC; c.61C>T, p.Pro21Ser (NM_001278074.1); short protein forms P21S.
Identifiers: ClinVar variation 212930 (VCV000212930.39), dbSNP rs548525119, ClinGen allele CA324269.
Genomic context (GRCh38, chr9:134,642,248, plus strand): 5'-ATGGACGTCCATACCCGCTGGAAAGCGCGCAGCGCGCTCCGCCCGGGCGCCCCGCTGCTG[C>T]CCCCGCTGCTGCTGCTGCTGCTGTGGGCGCCGCCTCCGAGCCGCGCAGGTAAGGGCGCCC-3'
Protein context (NP_000084.3, residues 11-31): SALRPGAPLL[Pro21Ser]PLLLLLLWAP

ClinVar aggregate classification (germline): Benign/Likely benign. Review status: criteria provided, multiple submitters, no conflicts (2 of 4 stars). 16 submissions from 15 submitters: Benign (10); Likely benign (6). Last evaluated 2026-02-02.

Conditions:
Ehlers-Danlos syndrome, classic type, 1 (EDSCL1). Also called: Ehlers-Danlos syndrome, type 1; EHLERS-DANLOS SYNDROME, GRAVIS TYPE; EHLERS-DANLOS SYNDROME, SEVERE CLASSIC TYPE; Ehlers-Danlos Syndrome, Classic Type, COL5A1-Related; EDS I. Identifiers: MedGen C0268335, MONDO:0019567, OMIM 130000.
Fibromuscular dysplasia, multifocal. Identifiers: MedGen C5543412, MONDO:0859151, OMIM 619329.
Connective tissue disorder. Also called: Connective tissue disease. Identifiers: MedGen C0009782, MONDO:0003900.
Ehlers-Danlos syndrome, classic type (cEDS). Identifiers: Orphanet 287, MedGen C4225429, MONDO:0007522.
Ehlers-Danlos syndrome (EDS). Identifiers: Orphanet 98249, MedGen C0013720, MONDO:0020066.
Familial thoracic aortic aneurysm and aortic dissection (TAAD). Also called: Thoracic aortic aneurysms and dissections. Identifiers: Orphanet 91387, MedGen C4707243, MONDO:0019625.

Allele frequency attached by ClinVar (database versions not stated): gnomAD 0.00094 and 0.00131; gnomAD exomes 0.00099 and 0.00112; TOPMed 0.00142; ExAC 0.00311; 1000 Genomes Project 0.00379; 1000 Genomes Project 30x 0.00515.

Submissions (16):

Labcorp Genetics (formerly Invitae), Labcorp
Classification: Likely benign for Ehlers-Danlos syndrome, classic type, 1. Last evaluated: 2026-02-02. Review status: criteria provided, single submitter. Criteria: Invitae Variant Classification Sherloc (09022015). Collection method: clinical testing. Allele origin: germline.

Molecular Diagnostic Laboratory for Inherited Cardiovascular Disease, Montreal Heart Institute
Classification: Benign. Last evaluated: 2025-04-09. Review status: criteria provided, single submitter. Criteria: ACMG Guidelines, 2015. Collection method: clinical testing. Allele origin: germline. Affected: no.
Comment: BS1;BP4;BP5;BP6

Blueprint Genetics
Classification: Likely benign. Last evaluated: 2024-11-22. Review status: criteria provided, single submitter. Criteria: ACMG Guidelines, 2015. Collection method: clinical testing. Allele origin: germline.

Women's Health and Genetics/Laboratory Corporation of America, LabCorp
Classification: Benign. Last evaluated: 2024-04-09. Review status: criteria provided, single submitter. Criteria: LabCorp Variant Classification Summary - May 2015. Collection method: clinical testing. Allele origin: germline.
Comment: Variant summary: COL5A1 c.61C>T (p.Pro21Ser) results in a non-conservative amino acid change in the encoded protein sequence. Four of five in-silico tools predict a benign effect of the variant on protein function. The variant allele was found at a frequency of 0.0011 in 1280862 control chromosomes, predominantly at a frequency of 0.033 within the East Asian subpopulation in the gnomAD database, including 14 homozygotes. The observed variant frequency within East Asian control individuals in the gnomAD database is over 1000-fold of the estimated maximal expected allele frequency for a pathogenic variant in COL5A1 causing Ehlers-Danlos Syndrome phenotype (3.1e-05), strongly suggesting that the variant is a benign polymorphism found primarily in populations of East Asian origin. To our knowledge, no penetrant association of c.61C>T in individuals affected with Ehlers-Danlos Syndrome and no experimental evidence demonstrating its impact on protein function have been reported. ClinVar contains an entry for this variant (Variation ID: 212930). Based on the evidence outlined above, the variant was classified as benign.

Genome-Nilou Lab
Classification: Benign for Ehlers-Danlos syndrome, classic type, 1. Last evaluated: 2022-03-15. Review status: criteria provided, single submitter. Criteria: ACMG Guidelines, 2015. Collection method: clinical testing. Allele origin: germline. Affected: no.

Genome-Nilou Lab
Classification: Benign for Fibromuscular dysplasia, multifocal. Last evaluated: 2022-03-15. Review status: criteria provided, single submitter. Criteria: ACMG Guidelines, 2015. Collection method: clinical testing. Allele origin: germline. Affected: no.

Genome Diagnostics Laboratory, The Hospital for Sick Children
Classification: Likely benign for Ehlers-Danlos syndrome. Last evaluated: 2022-03-04. Review status: criteria provided, single submitter. Criteria: ACMG Guidelines, 2015. Collection method: clinical testing. Allele origin: germline.

Fulgent Genetics
Classification: Benign for Ehlers-Danlos syndrome, classic type, 1; Fibromuscular dysplasia, multifocal. Last evaluated: 2021-10-07. Review status: criteria provided, single submitter. Criteria: ACMG Guidelines, 2015. Collection method: clinical testing. Allele origin: unknown.

ARUP Laboratories, Molecular Genetics and Genomics, ARUP Laboratories
Classification: Benign. Last evaluated: 2021-08-15. Review status: criteria provided, single submitter. Criteria: ARUP Molecular Germline Variant Investigation Process 2021. Collection method: clinical testing. Allele origin: germline.

GeneDx
Classification: Benign. Last evaluated: 2018-03-26. Review status: criteria provided, single submitter. Criteria: GeneDx Variant Classification Process June 2021. Collection method: clinical testing. Allele origin: germline. Affected: yes.

Illumina Laboratory Services, Illumina
Classification: Benign for Ehlers-Danlos syndrome, classic type, 1. Last evaluated: 2018-01-12. Review status: criteria provided, single submitter. Criteria: ICSL Variant Classification Criteria 13 December 2019. Collection method: clinical testing. Allele origin: germline.
Comment: This variant was observed in the ICSL laboratory as part of a predisposition screen in an ostensibly healthy population. It had not been previously curated by ICSL or reported in the Human Gene Mutation Database (HGMD: prior to June 1st, 2018), and was therefore a candidate for classification through an automated scoring system. Utilizing variant allele frequency, disease prevalence and penetrance estimates, and inheritance mode, an automated score was calculated to assess if this variant is too frequent to cause the disease. Based on the score and internal cut-off values, a variant classified as benign is not then subjected to further curation. The score for this variant resulted in a classification of benign for this disease.

Ambry Genetics
Classification: Benign for Familial thoracic aortic aneurysm and aortic dissection. Last evaluated: 2017-04-03. Review status: criteria provided, single submitter. Criteria: Ambry Variant Classification Scheme 2023. Collection method: clinical testing. Allele origin: germline.

Mayo Clinic Laboratories, Mayo Clinic
Classification: Benign for Ehlers-Danlos syndrome, classic type, 1. Last evaluated: 2016-11-16. Review status: criteria provided, single submitter. Criteria: ACMG Guidelines, 2015. Collection method: clinical testing. Allele origin: maternal.

Center for Human Genetics, Inc
Classification: Likely benign for Connective tissue disorder. Last evaluated: 2016-11-01. Review status: criteria provided, single submitter. Criteria: ACMG Guidelines, 2015. Collection method: clinical testing. Allele origin: germline. Affected: yes.

PreventionGenetics, part of Exact Sciences
Classification: Likely benign. Last evaluated: 2016-02-04. Review status: criteria provided, single submitter. Criteria: ACMG Guidelines, 2015. Collection method: clinical testing. Allele origin: germline.

Breakthrough Genomics
Classification: Likely benign. Review status: criteria provided, single submitter. Criteria: ACMG Guidelines, 2015. Collection method: not provided. Allele origin: germline. Inheritance: Autosomal dominant inheritance. Affected: yes.